The following is an entry in ClinVar:

NM_001267550.2(TTN):c.46561C>T (p.Gln15521Ter)

Genes: TTN (titin; minus strand), TTN-AS1 (TTN antisense RNA 1; plus strand). Cytogenetic location: 2q31.2.
Variant type: single nucleotide variant.
Coding change: c.46561C>T on transcript NM_001267550.2 (MANE Select); coding-DNA position 46561, C replaced by T.
Protein change: p.Gln15521Ter; replaces glutamine 15521 with a stop codon.
Molecular consequence: nonsense. On other transcripts: non-coding transcript variant (1).
Genome position (GRCh38, 1-based): chr2:178,619,756, G>A on the plus strand (C>T on the coding strand, the complement: TTN is on the minus strand). VCF-style: chr2-178619756-G-A. GRCh37 (hg19) VCF-style: chr2-179484483-G-A.
Other names: c.41638C>T, p.Gln13880Ter (NM_001256850.1); c.19366C>T, p.Gln6456Ter (NM_003319.4); c.38857C>T, p.Gln12953Ter (NM_133378.4); c.19741C>T, p.Gln6581Ter (NM_133432.3); c.19942C>T, p.Gln6648Ter (NM_133437.4); short protein forms Q12953*, Q13880*, Q15521*, Q6456*, Q6581*, Q6648*.
Identifiers: ClinVar variation 4855654 (VCV004855654.1).
Genomic context (GRCh38, chr2:178,619,756, plus strand): 5'-TATCACAAATCTGTAGTCGATGTATCTTTCCTTCACTCATCATCTGGTGTTTATCACCCT[G>A]GACAACAACCATGTTATTTCTTAGCCATTGGACTTCCACCTTATCTTTATTGAGTTCTGC-3'

ClinVar aggregate classification (germline): Uncertain significance (1 of 4 stars; one submission).

Conditions:
Dilated cardiomyopathy 1G (CMD1G). Identifiers: Orphanet 154, MedGen C1858763, MONDO:0011400, OMIM 604145.

gnomAD v4.1: 1 of 1,612,310 alleles (0.000062%); highest among the groups gnomAD compares: Non-Finnish European, 0.000085%; no homozygotes.

Submission:

3billion
Classification: Uncertain significance for Dilated cardiomyopathy 1G. Last evaluated: 2025-12-08. Review status: criteria provided, single submitter. Criteria: ACMG Guidelines, 2015. Collection method: clinical testing. Allele origin: germline. Affected: yes.
Comment: The variant is observed at an extremely low frequency in the gnomAD v4.1.0 dataset (total allele frequency: <0.001%). Predicted Consequence/Location: Stop-gained (nonsense): predicted to result in a loss or disruption of normal protein function through nonsense-mediated decay (NMD) or protein truncation. Multiple pathogenic variants are reported downstream of the variant. However, this variant is located within the I-band of the TTN gene, whereas the majority of TTN loss-of-function variants associated with cardiomyopathy are located in A-band. Therefore, it remains uncertain whether this loss-of-function variant would be disease-causing at this time. Therefore, this variant is classified as VUS according to the recommendation of ACMG/AMP guideline.